The following is an entry in ClinVar:

ClinVar aggregate classification (germline): Uncertain significance. Review status: criteria provided, multiple submitters, no conflicts (2 of 4 stars). 4 submissions from 4 submitters: Uncertain significance (2). 2 of the submissions do not count toward it. Last evaluated 2025-11-03.

Conditions:
Pfeiffer syndrome (ACS5). Also called: ACS V. Identifiers: Orphanet 710, MedGen C0220658, MONDO:0007043, OMIM 101600.
Hypogonadotropic hypogonadism 2 with or without anosmia (HH2). Also called: HYPOGONADOTROPIC HYPOGONADISM 2 WITHOUT ANOSMIA; HYPOGONADOTROPIC HYPOGONADISM 2 WITH OR WITHOUT ANOSMIA, SUSCEPTIBILITY TO; HYPOGONADOTROPIC HYPOGONADISM 2 WITHOUT ANOSMIA, SUSCEPTIBILITY TO; FGFR1-Related GnRH Deficiency (Kallmann Syndrome 2). Identifiers: Orphanet 478, MedGen C1563720, MONDO:0007844, OMIM 147950. Disease mechanism: loss of function.
Jackson-Weiss syndrome (JWS). Also called: CRANIOSYNOSTOSIS, MIDFACIAL HYPOPLASIA, AND FOOT ABNORMALITIES. Identifiers: Orphanet 1540, MedGen C0795998, MONDO:0007400, OMIM 123150. Disease mechanism: loss of function.
Osteoglophonic dysplasia (OGD). Also called: Osteoglophonic dwarfism. Identifiers: Orphanet 2645, MedGen C0432283, MONDO:0008150, OMIM 166250.
Hartsfield-Bixler-Demyer syndrome (HRTFDS). Also called: Hartsfield syndrome; FGFR1-Related Hartsfield Syndrome; Holoprosencephaly, ectrodactyly, and bilateral cleft lip/palate. Identifiers: Orphanet 2117, MedGen C1845146, MONDO:0014196, OMIM 615465. Disease mechanism: loss of function.
Trigonocephaly 1 (TRIGNO1). Identifiers: Orphanet 3366, MedGen C0432122, MONDO:0008603, OMIM 190440.
Encephalocraniocutaneous lipomatosis (ECCL). Identifiers: Orphanet 2396, MedGen C0406612, MONDO:0013074, OMIM 613001.

Allele frequency attached by ClinVar (database versions not stated): gnomAD 0.00001; gnomAD exomes 0.00001 and 0.00003; TOPMed 0.00002.
gnomAD v4.1: 48 of 1,614,090 alleles (0.003%); highest among the groups gnomAD compares: East Asian, 0.0067%; no homozygotes.

Submissions (4):

Labcorp Genetics (formerly Invitae), Labcorp
Classification: Uncertain significance for Pfeiffer syndrome; Hypogonadotropic hypogonadism 2 with or without anosmia. Last evaluated: 2025-11-03. Review status: criteria provided, single submitter. Criteria: Invitae Variant Classification Sherloc (09022015). Collection method: clinical testing. Allele origin: germline.
Comment: This sequence change replaces glutamic acid, which is acidic and polar, with lysine, which is basic and polar, at codon 467 of the FGFR1 protein (p.Glu467Lys). This variant is present in population databases (no rsID available, gnomAD 0.008%). This missense change has been observed in individual(s) with cleft lip and palate (PMID: 17360555). ClinVar contains an entry for this variant (Variation ID: 1050470). Invitae Evidence Modeling of protein sequence and biophysical properties (such as structural, functional, and spatial information, amino acid conservation, physicochemical variation, residue mobility, and thermodynamic stability) indicates that this missense variant is not expected to disrupt FGFR1 protein function with a negative predictive value of 80%. In summary, the available evidence is currently insufficient to determine the role of this variant in disease. Therefore, it has been classified as a Variant of Uncertain Significance.

Fulgent Genetics
Classification: Uncertain significance for Pfeiffer syndrome; Jackson-Weiss syndrome; Hypogonadotropic hypogonadism 2 with or without anosmia; Osteoglophonic dysplasia; Trigonocephaly 1; Encephalocraniocutaneous lipomatosis; Hartsfield-Bixler-Demyer syndrome. Last evaluated: 2024-02-14. Review status: criteria provided, single submitter. Criteria: ACMG Guidelines, 2015. Collection method: clinical testing. Allele origin: germline.

Genetic Services Laboratory, University of Chicago
Classification: Uncertain significance. Last evaluated: 2022-05-09. Review status: no assertion criteria provided. Collection method: clinical testing. Allele origin: germline. Affected: no. Not counted in ClinVar's aggregate classification.
Comment: DNA sequence analysis of the FGFR1 gene demonstrated a sequence change, c.1399G>A, in exon 10 that results in an amino acid change, p.Glu467Lys. This sequence change has previously been described in two unrelated families with non-syndromic cleft lip and palate, but did not segregate with all affected family members (PMID: 17360555). This sequence change has been described in the gnomAD database with a frequency of 0.008% in the African/African American subpopulation (dbSNP rs923019674). The p.Glu467Lys change affects a moderately conserved amino acid residue located in a domain of the FGFR1 protein that is known to be functional. The p.Glu467Lys substitution appears to be benign using several in-silico pathogenicity prediction tools (SIFT, PolyPhen2, Align GVGD, REVEL). Due to insufficient evidences and the lack of functional studies, the clinical significance of the p.Glu467Lys change remains unknown at this time. Heterozygous mutations in FGFR1 are associated with hypogonadotropic hypogonadism type 2 [OMIM#147950], Hartsfield syndrome [OMIM#615465], Jackson-Weiss syndrome [OMIM#123150], osteoglophonic dysplasia [OMIM#166250], Pfeiffer syndrome [OMIM#101600], and trigonocephaly type 1 [OMIM#190440].

Department of Pathology and Laboratory Medicine, Sinai Health System
Classification: Uncertain significance. Review status: no assertion criteria provided. Collection method: clinical testing. Allele origin: unknown. Affected: yes. Study: The Canadian Open Genetics Repository (COGR). Not counted in ClinVar's aggregate classification.
Comment: The FGFR1 p.Glu463Lys variant was not identified in the literature nor was it identified in ClinVar or LOVD 3.0. The variant was identified in dbSNP (ID: rs923019674) and in control databases in 4 of 280958 chromosomes at a frequency of 0.00001424 (Genome Aggregation Database March 6, 2019, v2.1.1). The variant was observed in the following populations: African in 2 of 24196 chromosomes (freq: 0.000083), Latino in 1 of 35376 chromosomes (freq: 0.000028) and European (non-Finnish) in 1 of 128714 chromosomes (freq: 0.000008), but was not observed in the Ashkenazi Jewish, East Asian, European (Finnish), Other or South Asian populations. The p.Glu463 residue is conserved in mammals but not in more distantly related organisms however four out of five computational analyses (PolyPhen-2, SIFT, AlignGVGD, BLOSUM, MutationTaster) do not suggest a high likelihood of impact to the protein; this information is not predictive enough to rule out pathogenicity. The variant occurs outside of the splicing consensus sequence and in silico or computational prediction software programs (SpliceSiteFinder, MaxEntScan, NNSPLICE, GeneSplicer) do not predict a difference in splicing. In summary, based on the above information the clinical significance of this variant cannot be determined with certainty at this time. This variant is classified as a variant of uncertain significance.

Literature cited by the submitters: PubMed 17360555 (cited by Labcorp Genetics (formerly Invitae), Labcorp).

NM_023110.3(FGFR1):c.1399G>A (p.Glu467Lys)

Gene: FGFR1 (fibroblast growth factor receptor 1; minus strand). Cytogenetic location: 8p11.23.
Variant type: single nucleotide variant.
Coding change: c.1399G>A on transcript NM_023110.3 (MANE Select); coding-DNA position 1399, G replaced by A.
Protein change: p.Glu467Lys; replaces glutamic acid 467 with lysine.
Molecular consequence: missense variant.
Genome position (GRCh38, 1-based): chr8:38,418,259, C>T on the plus strand (G>A on the coding strand, the complement: FGFR1 is on the minus strand). VCF-style: chr8-38418259-C-T. GRCh37 (hg19) VCF-style: chr8-38275777-C-T.
Other names: c.1393G>A, p.Glu465Lys (NM_001174063.2, NM_001174065.2, NM_001354367.2 and 1 more transcripts); c.1369G>A, p.Glu457Lys (NM_001174064.2); c.1132G>A, p.Glu378Lys (NM_001174066.2, NM_023105.3); c.1492G>A, p.Glu498Lys (NM_001174067.2); c.1120G>A, p.Glu374Lys (NM_001354368.2); c.1387G>A, p.Glu463Lys (NM_001354369.2); c.1126G>A, p.Glu376Lys (NM_001354370.2, NM_023106.3); short protein forms E374K, E376K, E378K, E457K, E463K, E465K, E467K, E498K.
Identifiers: ClinVar variation 1050470 (VCV001050470.5), dbSNP rs923019674, ClinGen allele CA175141774.